The following is an entry in ClinVar:

NM_000277.3(PAH):c.1065+3A>C

Gene: PAH (phenylalanine hydroxylase; minus strand). Cytogenetic location: 12q23.2.
Variant type: single nucleotide variant.
Coding change: c.1065+3A>C on transcript NM_000277.3 (MANE Select); 3 bases into the intron after coding-DNA position 1065, A replaced by C.
Molecular consequence: intron variant.
Genome position (GRCh38, 1-based): chr12:102,844,333, T>G on the plus strand (A>C on the coding strand, the complement: PAH is on the minus strand). VCF-style: chr12-102844333-T-G. GRCh37 (hg19) VCF-style: chr12-103238111-T-G.
Other names: c.1065+3A>C (NM_001354304.2).
Identifiers: ClinVar variation 102504 (VCV000102504.2), dbSNP rs62508689, ClinGen allele CA229318.

ClinVar aggregate classification (germline): Uncertain significance. Review status: reviewed by expert panel (3 of 4 stars). 2 submissions from 2 submitters: Uncertain significance (1). 1 of the submissions does not count toward it. Last evaluated 2020-07-30.

Conditions:
Phenylketonuria (PKU). Also called: Phenylketonuria (PKU); FOLLING DISEASE; OLIGOPHRENIA PHENYLPYRUVICA; Phenylketonurias. Identifiers: Orphanet 716, MedGen C0031485, MONDO:0009861, OMIM 261600. Disease mechanism: loss of function.

Submissions (2):

ClinGen PAH Variant Curation Expert Panel
Classification: Uncertain significance for Phenylketonuria. Last evaluated: 2020-07-30. Review status: reviewed by expert panel. Criteria: ClinGen PAH ACMG Specifications v1. Collection method: curation. Allele origin: germline. Inheritance: Autosomal recessive inheritance.
Comment: (PAH):c.1065+3A>C is an intronic variant that is predicted to be splice altering in multiple lines of computational evidence. This variant was identified in a patient with an unspecified PKU/HPA phenotype. The variant was not specified to be heterozygous or homozygous (PMID 10394930). This variant is absent in population databases. In summary, this variant has insufficient evidence and is classified as uncertain significance for PAH. PAH-specific ACMG/AMP criteria applied: PM2 and PP3.

DeBelle Laboratory for Biochemical Genetics, MUHC/MCH RESEARCH INSTITUTE
No classification provided. Review status: no classification provided. Collection method: not provided. Allele origin: not provided. Not counted in ClinVar's aggregate classification.